The following is an entry in ClinVar:

NM_212482.4(FN1):c.1879C>G (p.Pro627Ala)

Gene: FN1 (fibronectin 1; minus strand). Cytogenetic location: 2q35.
Variant type: single nucleotide variant.
Coding change: c.1879C>G on transcript NM_212482.4 (MANE Select); coding-DNA position 1879, C replaced by G.
Protein change: p.Pro627Ala; replaces proline 627 with alanine.
Molecular consequence: missense variant.
Genome position (GRCh38, 1-based): chr2:215,414,899, G>C on the plus strand (C>G on the coding strand, the complement: FN1 is on the minus strand). VCF-style: chr2-215414899-G-C. GRCh37 (hg19) VCF-style: chr2-216279622-G-C.
Other names: c.1879C>G, p.Pro627Ala (NM_001306129.2, NM_001306130.2, NM_001306131.2 and 14 more transcripts); short protein forms P627A.
Identifiers: ClinVar variation 2819358 (VCV002819358.3), dbSNP rs2063222503, ClinGen allele CA350465511.

ClinVar aggregate classification (germline): Uncertain significance (1 of 4 stars; one submission).

Allele frequency attached by ClinVar (database versions not stated): gnomAD exomes below 0.00001.
gnomAD v4.1: 2 of 1,613,786 alleles (0.00012%); highest among the groups gnomAD compares: Admixed American, 0.0017%; no homozygotes.

Submission:

Labcorp Genetics (formerly Invitae), Labcorp
Classification: Uncertain significance. Last evaluated: 2025-09-02. Review status: criteria provided, single submitter. Criteria: Invitae Variant Classification Sherloc (09022015). Collection method: clinical testing. Allele origin: germline.
Comment: This sequence change replaces proline, which is neutral and non-polar, with alanine, which is neutral and non-polar, at codon 627 of the FN1 protein (p.Pro627Ala). This variant is not present in population databases (gnomAD no frequency). This variant has not been reported in the literature in individuals affected with FN1-related conditions. ClinVar contains an entry for this variant (Variation ID: 2819358). An algorithm developed to predict the effect of missense changes on protein structure and function (PolyPhen-2) suggests that this variant is likely to be disruptive. In summary, the available evidence is currently insufficient to determine the role of this variant in disease. Therefore, it has been classified as a Variant of Uncertain Significance.